The following is an entry in ClinVar:

NM_004006.3(DMD):c.10454dup (p.Ser3486fs)

Gene: DMD (dystrophin; minus strand). Cytogenetic location: Xp21.2.
Variant type: Duplication.
Coding change: c.10454dup on transcript NM_004006.3 (MANE Select); coding-DNA position 10454, one base duplicated (T; older notation c.10454dupT).
Protein change: p.Ser3486fs; shifts the reading frame from serine 3486.
Molecular consequence: frameshift variant. On other transcripts: intron variant (2).
Genome position (GRCh38, 1-based): chrX:31,169,542, A duplicated on the plus strand (T on the coding strand, the reverse complement: DMD is on the minus strand). VCF-style (leftmost placement, unchanged base first): chrX-31169541-C-CA. GRCh37 (hg19) VCF-style: chrX-31187658-C-CA.
Other names: c.10430dup, p.Ser3478fs (NM_000109.4); c.10442dup, p.Ser3482fs (NM_004009.3); c.10085dup, p.Ser3363fs (NM_004010.3); c.6431dup, p.Ser2145fs (NM_004011.4); c.6422dup, p.Ser2142fs (NM_004012.4); c.3074dup, p.Ser1026fs (NM_004013.3, NM_004021.3); c.2267dup, p.Ser757fs (NM_004014.3); c.1250dup, p.Ser418fs (NM_004015.3, NM_004016.3); and 3 more; short protein forms S1026fs, S2145fs, S3486fs, S405fs, S757fs, S3363fs, S3478fs, S1013fs.
Identifiers: ClinVar variation 1419331 (VCV001419331.6), dbSNP rs2148184058, ClinGen allele CA2573158606.
Genomic context (GRCh38, chrX:31,169,541, plus strand): 5'-CTCCCCTCTTTCCTCACTCTCTAAGGAAATCAAGATCTGGGCAGGACTACGAGGCTGGCT[C>CA]AGGGGGGAGTCCTGGTTCAAACTTTGGCAGTAATGCTGGATTAACAAATGTTCATCATCT-3'

ClinVar aggregate classification (germline): Pathogenic (1 of 4 stars; one submission).

Conditions:
Duchenne muscular dystrophy (DMD). Also called: MUSCULAR DYSTROPHY, PSEUDOHYPERTROPHIC PROGRESSIVE, DUCHENNE TYPE; Duchenne Muscular Dystrophy (DMD). Identifiers: Orphanet 98896, MedGen C0013264, MONDO:0010679, OMIM 310200.

Submission:

Labcorp Genetics (formerly Invitae), Labcorp
Classification: Pathogenic for Duchenne muscular dystrophy. Last evaluated: 2021-10-24. Review status: criteria provided, single submitter. Criteria: Invitae Variant Classification Sherloc (09022015). Collection method: clinical testing. Allele origin: germline.
Comment: This sequence change creates a premature translational stop signal (p.Ser3486Glufs*5) in the DMD gene. It is expected to result in an absent or disrupted protein product. Loss-of-function variants in DMD are known to be pathogenic (PMID: 16770791, 25007885). This variant is not present in population databases (gnomAD no frequency). This variant has not been reported in the literature in individuals affected with DMD-related conditions. For these reasons, this variant has been classified as Pathogenic.

Literature cited by the submitters: PubMed 16770791; PubMed 25007885.